The following is an entry in ClinVar:

NM_000038.6(APC):c.7427G>C (p.Arg2476Thr)

Gene: APC (APC regulator of Wnt signaling pathway; plus strand). Cytogenetic location: 5q22.2.
Variant type: single nucleotide variant.
Coding change: c.7427G>C on transcript NM_000038.6 (MANE Select); coding-DNA position 7427, G replaced by C.
Protein change: p.Arg2476Thr; replaces arginine 2476 with threonine.
Molecular consequence: missense variant.
Genome position (GRCh38, 1-based): chr5:112,843,021, G>C. VCF-style: chr5-112843021-G-C. GRCh37 (hg19) VCF-style: chr5-112178718-G-C.
Other names: c.7427G>C, p.Arg2476Thr (NM_001127510.3, NM_001354895.2); c.7373G>C, p.Arg2458Thr (NM_001127511.3); c.7481G>C, p.Arg2494Thr (NM_001354896.2); c.7457G>C, p.Arg2486Thr (NM_001354897.2); c.7352G>C, p.Arg2451Thr (NM_001354898.2); c.7343G>C, p.Arg2448Thr (NM_001354899.2); c.7304G>C, p.Arg2435Thr (NM_001354900.2); c.7250G>C, p.Arg2417Thr (NM_001354901.2); and 6 more; short protein forms R2193T, R2316T, R2350T, R2375T, R2385T, R2417T, R2435T, R2448T.
Identifiers: ClinVar variation 1054480 (VCV001054480.11), dbSNP rs1064793966, ClinGen allele CA16037493.

ClinVar aggregate classification (germline): Uncertain significance. Review status: criteria provided, multiple submitters, no conflicts (2 of 4 stars). 2 submissions from 2 submitters: Uncertain significance (2). Last evaluated 2025-08-31.

Conditions:
Familial adenomatous polyposis 1 (FAP1). Also called: FAMILIAL ADENOMATOUS POLYPOSIS 1, ATTENUATED; POLYPOSIS, ADENOMATOUS INTESTINAL. Identifiers: MedGen C2713442, MONDO:0021056, OMIM 175100. Disease mechanism: loss of function.
Hereditary cancer-predisposing syndrome. Also called: Hereditary Cancer Syndrome; Tumor predisposition; Hereditary neoplastic syndrome; Neoplastic Syndromes, Hereditary. Identifiers: Orphanet 140162, MedGen C0027672, MeSH D009386, MONDO:0015356.

Submissions (2):

Ambry Genetics
Classification: Uncertain significance for Hereditary cancer-predisposing syndrome. Last evaluated: 2025-08-31. Review status: criteria provided, single submitter. Criteria: Ambry Variant Classification Scheme 2023. Collection method: clinical testing. Allele origin: germline.
Comment: The p.R2476T variant (also known as c.7427G>C), located in coding exon 15 of the APC gene, results from a G to C substitution at nucleotide position 7427. The arginine at codon 2476 is replaced by threonine, an amino acid with similar properties. This amino acid position is conserved. In addition, in silico predictors for this gene do not accurately predict pathogenicity. Based on the available evidence, the clinical significance of this variant remains unclear.

Labcorp Genetics (formerly Invitae), Labcorp
Classification: Uncertain significance for Familial adenomatous polyposis 1. Last evaluated: 2025-03-24. Review status: criteria provided, single submitter. Criteria: Invitae Variant Classification Sherloc (09022015). Collection method: clinical testing. Allele origin: germline.
Comment: This sequence change replaces arginine, which is basic and polar, with threonine, which is neutral and polar, at codon 2476 of the APC protein (p.Arg2476Thr). This variant is not present in population databases (gnomAD no frequency). This variant has not been reported in the literature in individuals affected with APC-related conditions. ClinVar contains an entry for this variant (Variation ID: 1054480). Invitae Evidence Modeling of protein sequence and biophysical properties (such as structural, functional, and spatial information, amino acid conservation, physicochemical variation, residue mobility, and thermodynamic stability) indicates that this missense variant is not expected to disrupt APC protein function with a negative predictive value of 95%. In summary, the available evidence is currently insufficient to determine the role of this variant in disease. Therefore, it has been classified as a Variant of Uncertain Significance.